The following is an entry in ClinVar:

NM_001286615.2(ANO4):c.1547T>A (p.Val516Glu)

Gene: ANO4 (anoctamin 4). Cytogenetic location: 12q23.1.
Variant type: single nucleotide variant.
Coding change: c.1547T>A on transcript NM_001286615.2 (MANE Select); coding-DNA position 1547, T replaced by A.
Protein change: p.Val516Glu; replaces valine 516 with glutamic acid.
Molecular consequence: missense variant.
Genome position (GRCh38, 1-based): chr12:101,086,670, T>A. VCF-style: chr12-101086670-T-A. GRCh37 (hg19) VCF-style: chr12-101480448-T-A.
Other names: c.1547T>A, p.Val516Glu (NM_001286616.1); c.1442T>A, p.Val481Glu (NM_178826.4); short protein forms V481E, V516E.
Identifiers: ClinVar variation 4855434 (VCV004855434.1).
Genomic context (GRCh38, chr12:101,086,670, plus strand): 5'-CCTGTAACATTCCACCAAGAGGTTCACCGGGTGTCTTGTCTTCCTGCCAGATCTGCGTGG[T>A]GATTGCTGCCGTGTTCGGGATCGTCATTTACCGGGTGGTGACTGTCAGCACTTTCGCTGC-3'
Protein context (NP_001273544.1, residues 506-526): ASGIFFMICV[Val516Glu]IAAVFGIVIY

ClinVar aggregate classification (germline): Uncertain significance (1 of 4 stars; one submission).

Conditions:
ANO4-related disorder.

Submission:

3billion
Classification: Uncertain significance for ANO4-related disorder. Last evaluated: 2025-10-01. Review status: criteria provided, single submitter. Criteria: ACMG Guidelines, 2015. Collection method: clinical testing. Allele origin: germline. Affected: yes.
Comment: The variant is not observed in the gnomAD v4.1.0 dataset. Predicted Consequence/Location: Missense variant. Missense changes are a common disease-causing mechanism. In silico tool predictions suggest damaging effect of the variant on gene or gene product [REVEL: 0.71 (>=0.6, sensitivity 0.68 and specificity 0.92)]. Therefore, this variant is classified as VUS according to the recommendation of ACMG/AMP guideline.